The following is an entry in ClinVar:

NM_001165963.4(SCN1A):c.485C>T (p.Thr162Ile)

Gene: SCN1A (sodium voltage-gated channel alpha subunit 1; minus strand). Cytogenetic location: 2q24.3.
Variant type: single nucleotide variant.
Coding change: c.485C>T on transcript NM_001165963.4 (MANE Select); coding-DNA position 485, C replaced by T.
Protein change: p.Thr162Ile; replaces threonine 162 with isoleucine.
Molecular consequence: missense variant. On other transcripts: 5 prime UTR variant (1), non-coding transcript variant (1).
Genome position (GRCh38, 1-based): chr2:166,054,755, G>A on the plus strand (C>T on the coding strand, the complement: SCN1A is on the minus strand). VCF-style: chr2-166054755-G-A. GRCh37 (hg19) VCF-style: chr2-166911265-G-A.
Other names: c.485C>T, p.Thr162Ile (NM_001165964.3, NM_001202435.3, NM_001353948.2 and 10 more transcripts); c.-1941C>T (NM_001353961.2); short protein forms T162I.
Identifiers: ClinVar variation 975943 (VCV000975943.9), dbSNP rs1698960532, ClinGen allele CA349075694.

ClinVar aggregate classification (germline): Pathogenic/Likely pathogenic. Review status: criteria provided, multiple submitters, no conflicts (2 of 4 stars). 3 submissions from 3 submitters: Pathogenic (1); Likely pathogenic (1). 1 of the submissions does not count toward it. Last evaluated 2023-10-04.

Conditions:
Early-infantile DEE. Also called: Early infantile epileptic encephalopathy; Early infantile epileptic encephalopathy with suppression bursts; Ohtahara syndrome. Identifiers: Orphanet 1934, MedGen C0393706, MONDO:0800491.
Severe myoclonic epilepsy in infancy (DRVT). Also called: SEVERE MYOCLONIC EPILEPSY OF INFANCY; DEVELOPMENTAL AND EPILEPTIC ENCEPHALOPATHY 6A; Severe Myoclonic Epilepsy in Infancy (SMEI); Dravet syndrome; Epileptic encephalopathy, early infantile, 6 (Dravet syndrome). Identifiers: Orphanet 33069, MedGen C0751122, MONDO:0100135, OMIM 607208.

Submissions (3):

Labcorp Genetics (formerly Invitae), Labcorp
Classification: Pathogenic for Early-infantile DEE. Last evaluated: 2023-10-04. Review status: criteria provided, single submitter. Criteria: Invitae Variant Classification Sherloc (09022015). Collection method: clinical testing. Allele origin: germline.
Comment: This sequence change replaces threonine, which is neutral and polar, with isoleucine, which is neutral and non-polar, at codon 162 of the SCN1A protein (p.Thr162Ile). This variant is not present in population databases (gnomAD no frequency). This missense change has been observed in individual(s) with Dravet syndrome (PMID: 28202706). In at least one individual the variant was observed to be de novo. ClinVar contains an entry for this variant (Variation ID: 975943). Advanced modeling of protein sequence and biophysical properties (such as structural, functional, and spatial information, amino acid conservation, physicochemical variation, residue mobility, and thermodynamic stability) performed at Invitae indicates that this missense variant is expected to disrupt SCN1A protein function. For these reasons, this variant has been classified as Pathogenic.

Institute of Human Genetics, University of Leipzig Medical Center
Classification: Likely pathogenic for Severe myoclonic epilepsy in infancy. Last evaluated: 2017-04-24. Review status: criteria provided, single submitter. Criteria: ACMG Guidelines, 2015. Collection method: clinical testing. Allele origin: germline. Affected: yes. Observed: 1 variant allele.

Molecular Genetics laboratory, Necker Hospital
Classification: Likely pathogenic. Last evaluated: 2022-03-29. Review status: no assertion criteria provided. Collection method: clinical testing. Allele origin: de novo. Affected: yes. Not counted in ClinVar's aggregate classification.

Literature cited by the submitters: PubMed 28202706 (cited by Labcorp Genetics (formerly Invitae), Labcorp).